The following is an entry in ClinVar:

NM_001457.4(FLNB):c.1954G>A (p.Gly652Arg)

Gene: FLNB (filamin B; plus strand). Cytogenetic location: 3p14.3.
Variant type: single nucleotide variant.
Coding change: c.1954G>A on transcript NM_001457.4 (MANE Select); coding-DNA position 1954, G replaced by A.
Protein change: p.Gly652Arg; replaces glycine 652 with arginine.
Molecular consequence: missense variant.
Genome position (GRCh38, 1-based): chr3:58,108,470, G>A. VCF-style: chr3-58108470-G-A. GRCh37 (hg19) VCF-style: chr3-58094197-G-A.
Other names: c.1954G>A, p.Gly652Arg (NM_001164318.2, NM_001164319.2, NM_001164317.2); short protein forms G652R.
Identifiers: ClinVar variation 4882136 (VCV004882136.2).

ClinVar aggregate classification (germline): Uncertain significance (1 of 4 stars; one submission).

Conditions:
Atelosteogenesis type III. Also called: Atelosteogenesis Type 3 (FLNB-AO3). Identifiers: Orphanet 56305, MedGen C3668942, MONDO:0007168, OMIM 108721.

gnomAD v4.1: 3 of 1,612,582 alleles (0.00019%); highest among the groups gnomAD compares: East Asian, 0.0022%; no homozygotes.

Submission:

Dasa
Classification: Uncertain significance for Atelosteogenesis type III. Last evaluated: 2025-10-31. Review status: criteria provided, single submitter. Criteria: DASA Assertion Criteria. Collection method: clinical testing. Allele origin: germline.
Comment: NM_001457.4(FLNB):c.1954G>A (p.Gly652Arg) is a missense variant that results in the substitution of glycine with arginine. This variant is rare in population databases. Computational prediction algorithms are consistent with a deleterious effect. The currently available literature and clinical evidence are not sufficient to establish a definitive association between this variant and the reported condition. Therefore, this variant is classified as a variant of uncertain significance.